The following is an entry in ClinVar:

ClinVar aggregate classification (germline): Likely benign (1 of 4 stars; one submission).

Allele frequency attached by ClinVar (database versions not stated): gnomAD 0.00003; TOPMed 0.00003.
gnomAD v4.1: 37 of 1,605,584 alleles (0.0023%); highest among the groups gnomAD compares: Middle Eastern, 0.016%; no homozygotes.

Submission:

CeGaT Center for Human Genetics Tuebingen
Classification: Likely benign. Last evaluated: 2023-02-01. Review status: criteria provided, single submitter. Criteria: CeGaT Center For Human Genetics Tuebingen Variant Classification Criteria Version 2. Collection method: clinical testing. Allele origin: germline. Affected: yes. Observed: 1 variant allele.
Comment: BCAR1: BP4, BP7

NM_014567.5(BCAR1):c.1510C>T (p.Leu504=)

Gene: BCAR1 (BCAR1 scaffold protein, Cas family member; minus strand). Cytogenetic location: 16q23.1.
Variant type: single nucleotide variant.
Coding change: c.1510C>T on transcript NM_014567.5 (MANE Select); coding-DNA position 1510, C replaced by T.
Protein change: p.Leu504=; no amino-acid change (leucine 504 retained).
Molecular consequence: synonymous variant.
Genome position (GRCh38, 1-based): chr16:75,235,389, G>A on the plus strand (C>T on the coding strand, the complement: BCAR1 is on the minus strand). VCF-style: chr16-75235389-G-A. GRCh37 (hg19) VCF-style: chr16-75269287-G-A.
Other names: c.1648C>T, p.Leu550= (NM_001170714.3); c.1564C>T, p.Leu522= (NM_001170715.3, NM_001170716.3, NM_001170717.3); c.1510C>T, p.Leu504= (NM_001170718.3); c.1504C>T, p.Leu502= (NM_001170719.3); c.1066C>T, p.Leu356= (NM_001170720.3); c.880C>T, p.Leu294= (NM_001170721.3).
Identifiers: ClinVar variation 2646872 (VCV002646872.24), dbSNP rs950206545, ClinGen allele CA283825289.